The following is an entry in ClinVar:

NM_000179.3(MSH6):c.2235T>A (p.Ile745=)

Gene: MSH6 (mutS homolog 6; plus strand). Cytogenetic location: 2p16.3.
Variant type: single nucleotide variant.
Coding change: c.2235T>A on transcript NM_000179.3 (MANE Select); coding-DNA position 2235, T replaced by A.
Protein change: p.Ile745=; no amino-acid change (isoleucine 745 retained).
Molecular consequence: synonymous variant. On other transcripts: non-coding transcript variant (5), intron variant (2).
Genome position (GRCh38, 1-based): chr2:47,800,218, T>A. VCF-style: chr2-47800218-T-A. GRCh37 (hg19) VCF-style: chr2-48027357-T-A.
Other names: c.1845T>A, p.Ile615= (NM_001281492.2); c.1329T>A, p.Ile443= (NM_001281493.2, NM_001281494.2, NM_001406811.1 and 6 more transcripts); c.2331T>A, p.Ile777= (NM_001406795.1, NM_001406802.1); c.2235T>A, p.Ile745= (NM_001406796.1, NM_001406798.1, NM_001406800.1 and 3 more transcripts); c.1938T>A, p.Ile646= (NM_001406797.1, NM_001406801.1, NM_001406805.1 and 10 more transcripts); c.1710T>A, p.Ile570= (NM_001406799.1, NM_001406806.1, NM_001406807.1); c.2157T>A, p.Ile719= (NM_001406804.1); c.2241T>A, p.Ile747= (NM_001406813.1); and 3 more.
Identifiers: ClinVar variation 3398885 (VCV003398885.2).
Genomic context (GRCh38, chr2:47,800,218, plus strand): 5'-CTTCACCAAAGCCTATCAACGAATGGTGCTAGATGCAGTGACATTAAACAACTTGGAGAT[T>A]TTTCTGAATGGAACAAATGGTTCTACTGAAGGAACCCTACTAGAGAGGGTTGATACTTGC-3'
Protein context (NP_000170.1, residues 735-755): LDAVTLNNLE[Ile745=]FLNGTNGSTE

ClinVar aggregate classification (germline): Benign/Likely benign. Review status: criteria provided, multiple submitters, no conflicts (2 of 4 stars). 2 submissions from 2 submitters: Benign (1); Likely benign (1). Last evaluated 2024-12-30.

Conditions:
Hereditary cancer-predisposing syndrome. Also called: Hereditary Cancer Syndrome; Tumor predisposition; Hereditary neoplastic syndrome; Neoplastic Syndromes, Hereditary. Identifiers: Orphanet 140162, MedGen C0027672, MeSH D009386, MONDO:0015356.
Lynch syndrome 5 (LYNCH5). Also called: Hereditary non-polyposis colorectal cancer, type 5; Colorectal cancer, hereditary nonpolyposis, type 5. Identifiers: Orphanet 144, MedGen C1833477, MONDO:0013710, OMIM 614350. Disease mechanism: loss of function.

Submissions (2):

Myriad Genetics, Inc.
Classification: Benign for Lynch syndrome 5. Last evaluated: 2024-12-30. Review status: criteria provided, single submitter. Criteria: Myriad Autosomal Dominant, Autosomal Recessive and X-Linked Classification Criteria (2023). Collection method: clinical testing. Allele origin: unknown.
Comment: This variant is considered benign. This variant is a silent/synonymous amino acid change and it is not expected to impact splicing.

Ambry Genetics
Classification: Likely benign for Hereditary cancer-predisposing syndrome. Last evaluated: 2024-08-01. Review status: criteria provided, single submitter. Criteria: Ambry Variant Classification Scheme 2023. Collection method: clinical testing. Allele origin: germline.